The following is an entry in ClinVar:

NM_001458.5(FLNC):c.1708G>T (p.Gly570Ter)

Gene: FLNC (filamin C; plus strand). Cytogenetic location: 7q32.1.
Variant type: single nucleotide variant.
Coding change: c.1708G>T on transcript NM_001458.5 (MANE Select); coding-DNA position 1708, G replaced by T.
Protein change: p.Gly570Ter; replaces glycine 570 with a stop codon.
Molecular consequence: nonsense.
Genome position (GRCh38, 1-based): chr7:128,840,865, G>T. VCF-style: chr7-128840865-G-T. GRCh37 (hg19) VCF-style: chr7-128480919-G-T.
Other names: c.1708G>T, p.Gly570Ter (NM_001127487.2); short protein forms G570*.
Identifiers: ClinVar variation 4687968 (VCV004687968.1).
Genomic context (GRCh38, chr7:128,840,865, plus strand): 5'-GCATGGACACCAGCTCCCTCTCTGCCCAGCCCCTTTGAGGTACAGGTGAGCCCAGAGGCA[G>T]GAGTGCAAAAGGTCCGGGCCTGGGGTCCTGGTTTGGAGACTGGCCAGGTGGGCAAGTCAG-3'

ClinVar aggregate classification (germline): Likely pathogenic (1 of 4 stars; one submission).

Conditions:
Hypertrophic cardiomyopathy 26. Also called: Cardiomyopathy, familial hypertrophic, 26. Identifiers: Orphanet 75249, MedGen C4310749, MONDO:0014883, OMIM 617047.

Submission:

Human Genetics Bochum, Ruhr University Bochum
Classification: Likely pathogenic for Hypertrophic cardiomyopathy 26. Last evaluated: 2025-11-04. Review status: criteria provided, single submitter. Criteria: ACMG Guidelines, 2015. Collection method: clinical testing. Allele origin: germline. Affected: yes.
Comment: ACMG criteria used to clasify this variant: PVS1, PM2_SUP